The following is an entry in ClinVar:

Conditions:
Arteriohepatic dysplasia. Also called: Alagille Syndrome. Identifiers: Orphanet 52, MedGen C0085280, MeSH D016738, MONDO:0007318.

Submission:

Gilbert/Spinner Lab, Children's Hospital of Philadelphia
No classification provided (evidence only). Condition: Alagille syndrome. Review status: no classification provided. Collection method: research. Allele origin: not applicable. Functional consequence: functionally_abnormal.
ClinVar note: "not provided" was previously submitted as the classification for the variant. However, the classification appeared to be based only on an observation of functional data so it was converted to no classification on 2025-07-30.

NM_000214.3(JAG1):c.821G>T (p.Gly274Val)

Gene: JAG1 (jagged canonical Notch ligand 1; minus strand). Cytogenetic location: 20p12.2.
Variant type: single nucleotide variant.
Coding change: c.821G>T on transcript NM_000214.3 (MANE Select); coding-DNA position 821, G replaced by T.
Protein change: p.Gly274Val; replaces glycine 274 with valine.
Molecular consequence: missense variant.
Genome position (GRCh38, 1-based): chr20:10,652,533, C>A on the plus strand (G>T on the coding strand, the complement: JAG1 is on the minus strand). VCF-style: chr20-10652533-C-A. GRCh37 (hg19) VCF-style: chr20-10633181-C-A.
Other names: short protein forms G274V.
Identifiers: ClinVar variation 3573112 (VCV003573112.2).